The following is an entry in ClinVar:

NM_006059.4(LAMC3):c.4319C>T (p.Ala1440Val)

Gene: LAMC3 (laminin subunit gamma 3; plus strand). Cytogenetic location: 9q34.12.
Variant type: single nucleotide variant.
Coding change: c.4319C>T on transcript NM_006059.4 (MANE Select); coding-DNA position 4319, C replaced by T.
Protein change: p.Ala1440Val; replaces alanine 1440 with valine.
Molecular consequence: missense variant.
Genome position (GRCh38, 1-based): chr9:131,087,564, C>T. VCF-style: chr9-131087564-C-T. GRCh37 (hg19) VCF-style: chr9-133962951-C-T.
Other names: short protein forms A1440V.
Identifiers: ClinVar variation 1307896 (VCV001307896.9), dbSNP rs779499766, ClinGen allele CA5288127.

ClinVar aggregate classification (germline): Uncertain significance. Review status: criteria provided, multiple submitters, no conflicts (2 of 4 stars). 3 submissions from 3 submitters: Uncertain significance (3). Last evaluated 2025-02-05.

Conditions:
Inborn genetic diseases. Identifiers: MedGen C0950123, MeSH D030342.

Allele frequency attached by ClinVar (database versions not stated): gnomAD 0.00001 and 0.00003; gnomAD exomes 0.00002 and 0.00004; ExAC 0.00004.
gnomAD v4.1: 28 of 1,613,838 alleles (0.0017%); highest among the groups gnomAD compares: East Asian, 0.016%; no homozygotes.

Submissions (3):

GeneDx
Classification: Uncertain significance. Last evaluated: 2025-02-05. Review status: criteria provided, single submitter. Criteria: GeneDx Variant Classification Process June 2021. Collection method: clinical testing. Allele origin: germline. Affected: yes.
Comment: In silico analysis indicates that this missense variant does not alter protein structure/function; Has not been previously published as pathogenic or benign to our knowledge

Ambry Genetics
Classification: Uncertain significance for Inborn genetic diseases. Last evaluated: 2023-07-19. Review status: criteria provided, single submitter. Criteria: Ambry Variant Classification Scheme 2023. Collection method: clinical testing. Allele origin: germline.

Labcorp Genetics (formerly Invitae), Labcorp
Classification: Uncertain significance. Last evaluated: 2022-08-10. Review status: criteria provided, single submitter. Criteria: Invitae Variant Classification Sherloc (09022015). Collection method: clinical testing. Allele origin: germline.
Comment: This sequence change replaces alanine, which is neutral and non-polar, with valine, which is neutral and non-polar, at codon 1440 of the LAMC3 protein (p.Ala1440Val). This variant is present in population databases (rs779499766, gnomAD 0.02%). This variant has not been reported in the literature in individuals affected with LAMC3-related conditions. ClinVar contains an entry for this variant (Variation ID: 1307896). Algorithms developed to predict the effect of missense changes on protein structure and function output the following: SIFT: "Tolerated"; PolyPhen-2: "Benign"; Align-GVGD: "Class C0". The valine amino acid residue is found in multiple mammalian species, which suggests that this missense change does not adversely affect protein function. Algorithms developed to predict the effect of sequence changes on RNA splicing suggest that this variant may create or strengthen a splice site. In summary, the available evidence is currently insufficient to determine the role of this variant in disease. Therefore, it has been classified as a Variant of Uncertain Significance.